The following is an entry in ClinVar:

ClinVar aggregate classification (germline): Uncertain significance (1 of 4 stars; one submission).

Submission:

Labcorp Genetics (formerly Invitae), Labcorp
Classification: Uncertain significance. Last evaluated: 2025-03-19. Review status: criteria provided, single submitter. Criteria: Invitae Variant Classification Sherloc (09022015). Collection method: clinical testing. Allele origin: germline.
Comment: This sequence change replaces serine, which is neutral and polar, with arginine, which is basic and polar, at codon 400 of the DEAF1 protein (p.Ser400Arg). This variant is not present in population databases (gnomAD no frequency). This variant has not been reported in the literature in individuals affected with DEAF1-related conditions. Invitae Evidence Modeling of protein sequence and biophysical properties (such as structural, functional, and spatial information, amino acid conservation, physicochemical variation, residue mobility, and thermodynamic stability) indicates that this missense variant is not expected to disrupt DEAF1 protein function with a negative predictive value of 80%. In summary, the available evidence is currently insufficient to determine the role of this variant in disease. Therefore, it has been classified as a Variant of Uncertain Significance.

NM_021008.4(DEAF1):c.1200C>A (p.Ser400Arg)

Gene: DEAF1 (DEAF1 transcription factor; minus strand). Cytogenetic location: 11p15.5.
Variant type: single nucleotide variant.
Coding change: c.1200C>A on transcript NM_021008.4 (MANE Select); coding-DNA position 1200, C replaced by A.
Protein change: p.Ser400Arg; replaces serine 400 with arginine.
Molecular consequence: missense variant. On other transcripts: intron variant (1).
Genome position (GRCh38, 1-based): chr11:678,749, G>T on the plus strand (C>A on the coding strand, the complement: DEAF1 is on the minus strand). VCF-style: chr11-678749-G-T. GRCh37 (hg19) VCF-style: chr11-678749-G-T.
Other names: c.933C>A, p.Ser311Arg (NM_001293634.2); c.474C>A, p.Ser158Arg (NM_001367390.1, NM_001440885.1, NM_001440886.1 and 1 more transcripts); c.1200C>A, p.Ser400Arg (NM_001440883.1); c.1126+939C>A (NM_001440884.1); short protein forms S158R, S311R, S400R.
Identifiers: ClinVar variation 4746219 (VCV004746219.1).